The following is an entry in ClinVar:

NM_000369.5(TSHR):c.305_306del (p.Lys102fs)

Genes: TSHR (thyroid stimulating hormone receptor; plus strand), TSHR-AS1 (TSHR antisense RNA 1; minus strand). Cytogenetic location: 14q31.1.
Variant type: Deletion.
Coding change: c.305_306del on transcript NM_000369.5 (MANE Select); coding-DNA positions 305 to 306, 2 bases deleted (AA; older notation c.305_306delAA).
Protein change: p.Lys102fs; shifts the reading frame from lysine 102.
Molecular consequence: frameshift variant.
Genome position (GRCh38, 1-based): chr14:81,068,316-81,068,317, AA deleted; deleting any 2 consecutive bases within chr14:81,068,315-81,068,317 gives the same sequence; the c. name uses the placement nearest the transcript's 3' end. VCF-style (leftmost placement, unchanged base first): chr14-81068314-TAA-T. GRCh37 (hg19) VCF-style: chr14-81534658-TAA-T.
Other names: c.305_306del, p.Lys102fs (NM_001018036.3, NM_001142626.3); short protein forms K102fs.
Identifiers: ClinVar variation 2969580 (VCV002969580.5), dbSNP rs1206511483, ClinGen allele CA615251488.

ClinVar aggregate classification (germline): Pathogenic. Review status: criteria provided, single submitter (1 of 4 stars). 2 submissions from 2 submitters: Pathogenic (1). 1 of the submissions does not count toward it. Last evaluated 2023-09-30.

Conditions:
TSHR-related disorder. Also called: TSHR-related disorders; TSHR-related condition.

Submissions (2):

Labcorp Genetics (formerly Invitae), Labcorp
Classification: Pathogenic. Last evaluated: 2023-09-30. Review status: criteria provided, single submitter. Criteria: Invitae Variant Classification Sherloc (09022015). Collection method: clinical testing. Allele origin: germline.
Comment: This sequence change creates a premature translational stop signal (p.Lys102Serfs*18) in the TSHR gene. It is expected to result in an absent or disrupted protein product. Loss-of-function variants in TSHR are known to be pathogenic (PMID: 8954020). This variant is present in population databases (no rsID available, gnomAD 0.007%). For these reasons, this variant has been classified as Pathogenic. This variant has not been reported in the literature in individuals affected with TSHR-related conditions.

PreventionGenetics, part of Exact Sciences
Classification: Likely pathogenic for TSHR-related condition. Last evaluated: 2023-10-24. Review status: no assertion criteria provided. Collection method: clinical testing. Allele origin: germline. Not counted in ClinVar's aggregate classification.
Comment: The TSHR c.305_306delAA variant is predicted to result in a frameshift and premature protein termination (p.Lys102Serfs*18). To our knowledge, this variant has not been reported in an individual with a TSHR related disorder. This variant is reported in 0.0065% of alleles in individuals of European (Non-Finnish) descent in gnomAD. Frameshift variants in TSHR are expected to be pathogenic. This variant is interpreted as likely pathogenic.

Literature cited by the submitters: PubMed 8954020 (cited by Labcorp Genetics (formerly Invitae), Labcorp).